The following is an entry in ClinVar:

ClinVar aggregate classification (germline): Likely benign. Review status: criteria provided, multiple submitters, no conflicts (2 of 4 stars). 2 submissions from 2 submitters: Likely benign (2). Last evaluated 2025-10-08.

Conditions:
KMT2A-related disorder. Also called: KMT2A-related condition.

Allele frequency attached by ClinVar (database versions not stated): gnomAD exomes below 0.00001; TOPMed 0.00001; gnomAD 0.00002.
gnomAD v4.1: 8 of 1,614,074 alleles (0.0005%); highest among the groups gnomAD compares: African/African-American, 0.004%; no homozygotes.

Submissions (2):

Labcorp Genetics (formerly Invitae), Labcorp
Classification: Likely benign. Last evaluated: 2025-10-08. Review status: criteria provided, single submitter. Criteria: Invitae Variant Classification Sherloc (09022015). Collection method: clinical testing. Allele origin: germline.

PreventionGenetics, part of Exact Sciences
Classification: Likely benign for KMT2A-related condition. Last evaluated: 2025-03-31. Review status: criteria provided, single submitter. Criteria: ACMG Guidelines, 2015. Collection method: clinical testing. Allele origin: germline.
Comment: This variant is classified as likely benign based on ACMG/AMP sequence variant interpretation guidelines (Richards et al. 2015 PMID: 25741868, with internal and published modifications).

NM_001197104.2(KMT2A):c.4458A>C (p.Gly1486=)

Gene: KMT2A (lysine methyltransferase 2A; plus strand). Cytogenetic location: 11q23.3.
Variant type: single nucleotide variant.
Coding change: c.4458A>C on transcript NM_001197104.2 (MANE Select); coding-DNA position 4458, A replaced by C.
Protein change: p.Gly1486=; no amino-acid change (glycine 1486 retained).
Molecular consequence: synonymous variant.
Genome position (GRCh38, 1-based): chr11:118,488,739, A>C. VCF-style: chr11-118488739-A-C. GRCh37 (hg19) VCF-style: chr11-118359454-A-C.
Other names: c.4458A>C, p.Gly1486= (NM_005933.4); c.4458A>C (NM_001197104.1).
Identifiers: ClinVar variation 1437972 (VCV001437972.7), dbSNP rs1222020184, ClinGen allele CA477089587.